The following is an entry in ClinVar:

ClinVar aggregate classification (germline): Conflicting classifications of pathogenicity. Review status: criteria provided, conflicting classifications (1 of 4 stars). 4 submissions from 4 submitters: Uncertain significance (1); Likely benign (2). 1 of the submissions does not count toward it. Last evaluated 2025-09-29.

Conditions:
Pitt-Hopkins-like syndrome 2 (PTHSL2). Identifiers: Orphanet 221150, Orphanet 600663, MedGen C3280479, MONDO:0013690, OMIM 614325.
NRXN1-related disorder.

Submissions (4):

Labcorp Genetics (formerly Invitae), Labcorp
Classification: Likely benign for Pitt-Hopkins-like syndrome 2. Last evaluated: 2025-09-29. Review status: criteria provided, single submitter. Criteria: Invitae Variant Classification Sherloc (09022015). Collection method: clinical testing. Allele origin: germline.

Blueprint Genetics
Classification: Likely benign. Last evaluated: 2024-06-12. Review status: criteria provided, single submitter. Criteria: ACMG Guidelines, 2015. Collection method: clinical testing. Allele origin: germline.

Genetic Services Laboratory, University of Chicago
Classification: Uncertain significance. Last evaluated: 2014-06-05. Review status: criteria provided, single submitter. Criteria: ACMG Guidelines, 2015. Collection method: clinical testing. Allele origin: germline.

PreventionGenetics, part of Exact Sciences
Classification: Likely benign for NRXN1-related condition. Last evaluated: 2019-03-27. Review status: no assertion criteria provided. Collection method: clinical testing. Allele origin: germline. Not counted in ClinVar's aggregate classification.
Comment: This variant is classified as likely benign based on ACMG/AMP sequence variant interpretation guidelines (Richards et al. 2015 PMID: 25741868, with internal and published modifications).

NM_001330078.2(NRXN1):c.772+9del

Gene: NRXN1 (neurexin 1; minus strand). Cytogenetic location: 2p16.3.
Variant type: Deletion.
Coding change: c.772+9del on transcript NM_001330078.2 (MANE Select); 9 bases into the intron after coding-DNA position 772, one base deleted (C; older notation c.772+9delC).
Molecular consequence: intron variant.
Genome position (GRCh38, 1-based): chr2:51,027,493, G deleted on the plus strand (C on the coding strand, the reverse complement: NRXN1 is on the minus strand); the first of 3 consecutive G bases (chr2:51,027,493-51,027,495); deleting any one gives the same sequence. VCF-style (leftmost placement, unchanged base first): chr2-51027492-CG-C. GRCh37 (hg19) VCF-style: chr2-51254630-CG-C.
Other names: c.772+9delC (NM_001135659.1, NM_001135659.2); c.772+9del (NM_001330096.2, NM_001330087.2, NM_001330083.2 and 15 more transcripts).
Identifiers: ClinVar variation 211694 (VCV000211694.17), dbSNP rs755130575, ClinGen allele CA208883.
Genomic context (GRCh38, chr2:51,027,492, plus strand): 5'-CCAGCCCGGTCCCCTCCTCCCCGAGCCCCGCCCAGGCCCCGGCCCCCGTGGGTCGGGCGT[CG>C]GGCCTTACCTTGGCTGCAGTCCTTGCCGCGGAAGCCGGTTCGCGAGCAGTCGCACACGGC-3'